The following is an entry in ClinVar:

NM_015294.6(TRIM37):c.810-4_810-3del

Gene: TRIM37 (tripartite motif containing 37; minus strand). Cytogenetic location: 17q22.
Variant type: Deletion.
Coding change: c.810-4_810-3del on transcript NM_015294.6 (MANE Select); 4 bases into the intron before coding-DNA position 810 through 3 bases into the intron before coding-DNA position 810, 2 bases deleted (TT; older notation c.810-4_810-3delTT).
Molecular consequence: intron variant.
Genome position (GRCh38, 1-based): chr17:59,064,408-59,064,409, AA deleted on the plus strand (TT on the coding strand, the reverse complement: TRIM37 is on the minus strand); deleting any 2 consecutive bases within chr17:59,064,408-59,064,418 gives the same sequence; the c. name uses the placement nearest the transcript's 3' end. VCF-style (leftmost placement, unchanged base first): chr17-59064407-TAA-T. GRCh37 (hg19) VCF-style: chr17-57141768-TAA-T.
Other names: NC_000017.10:g.57141778_57141779del; c.810-13_810-12del (NM_015294.6); c.810-4_810-3delTT (NM_015294.4); c.810-4_810-3del (NM_001320989.3, NM_001005207.5, NM_001320988.3 and 1 more transcripts); c.348-4_348-3del (NM_001353085.2); c.708-4_708-3del (NM_001320987.3, NM_001353082.2); c.810-1761_810-1760del (NM_001353086.2); c.75-4_75-3del (NM_001353083.2); and 1 more.
Identifiers: ClinVar variation 4285430 (VCV004285430.2).

ClinVar aggregate classification (germline): Likely benign (1 of 4 stars; one submission).

Conditions:
TRIM37-related disorder. Also called: TRIM37-related condition.

Submissions (2):

PreventionGenetics, part of Exact Sciences
Classification: Likely benign for TRIM37-related condition. Last evaluated: 2026-01-01. Review status: criteria provided, single submitter. Criteria: ACMG Guidelines, 2015. Collection method: clinical testing. Allele origin: germline.
Comment: This variant is classified as likely benign based on ACMG/AMP sequence variant interpretation guidelines (Richards et al. 2015 PMID: 25741868, with internal and published modifications).

Dr. Peter K. Rogan Lab, Western University
No classification provided (evidence only). Condition: Clear cell carcinoma of kidney. Review status: no classification provided. Collection method: in vitro. Allele origin: not applicable. Functional consequence: retained intron. Not counted in ClinVar's aggregate classification.